The following is an entry in ClinVar:

ClinVar aggregate classification (germline): Uncertain significance. Review status: criteria provided, multiple submitters, no conflicts (2 of 4 stars). 2 submissions from 2 submitters: Uncertain significance (2). Last evaluated 2025-10-22.

Conditions:
SLC27A5-related disorder. Also called: SLC27A5-related condition.

Allele frequency attached by ClinVar (database versions not stated): gnomAD exomes 0.00001 and 0.00004; ExAC 0.00002; gnomAD 0.00004 and 0.00005; ESP Exome Variant Server 0.00008; TOPMed 0.00008.
gnomAD v4.1: 28 of 1,612,382 alleles (0.0017%); highest among the groups gnomAD compares: Admixed American, 0.015%; no homozygotes.

Submissions (3):

PreventionGenetics, part of Exact Sciences
Classification: Uncertain significance for SLC27A5-related condition. Last evaluated: 2025-10-22. Review status: criteria provided, single submitter. Criteria: ACMG Guidelines, 2015. Collection method: clinical testing. Allele origin: germline.
Comment: The SLC27A5 c.1468G>C variant is predicted to result in the amino acid substitution p.Gly490Arg. This variant affects the last nucleotide of exon 6 and is predicted to impact splicing by one available splicing algorithm (SpliceAI, Jaganathan et al. 2019. PubMed ID: 30661751). To our knowledge, this variant has not been reported in the literature. This variant is reported in 0.029% of alleles in individuals of Ashkenazi Jewish descent in gnomAD. At this time, the clinical significance of this variant is uncertain due to the absence of conclusive functional and genetic evidence.

Eurofins Ntd Llc (ga)
Classification: Uncertain significance. Last evaluated: 2017-05-15. Review status: criteria provided, single submitter. Criteria: EGL Classification Definitions 2015. Collection method: clinical testing. Allele origin: germline. Observed: 1 variant allele, 1 heterozygote.

Dr. Peter K. Rogan Lab, Western University
No classification provided (evidence only). Condition: Gastric cancer. Review status: no classification provided. Collection method: in vitro. Allele origin: not applicable. Functional consequence: retained intron. Not counted in ClinVar's aggregate classification.

NM_012254.3(SLC27A5):c.1468G>C (p.Gly490Arg)

Gene: SLC27A5 (solute carrier family 27 member 5; minus strand). Cytogenetic location: 19q13.43.
Variant type: single nucleotide variant.
Coding change: c.1468G>C on transcript NM_012254.3 (MANE Select); coding-DNA position 1468, G replaced by C.
Protein change: p.Gly490Arg; replaces glycine 490 with arginine.
Molecular consequence: missense variant.
Genome position (GRCh38, 1-based): chr19:58,500,339, C>G on the plus strand (G>C on the coding strand, the complement: SLC27A5 is on the minus strand). VCF-style: chr19-58500339-C-G. GRCh37 (hg19) VCF-style: chr19-59011706-C-G.
Other names: NC_000019.9:g.59011706C>G; c.1468G>C (NM_012254.2); c.1216G>C, p.Gly406Arg (NM_001321196.2); short protein forms G490R, G406R.
Identifiers: ClinVar variation 501875 (VCV000501875.8), dbSNP rs201981392, ClinGen allele CA9717967.